The following is an entry in ClinVar:

NM_020987.5(ANK3):c.7672C>T (p.Arg2558Cys)

Gene: ANK3 (ankyrin 3; minus strand). Cytogenetic location: 10q21.2.
Variant type: single nucleotide variant.
Coding change: c.7672C>T on transcript NM_020987.5 (MANE Select); coding-DNA position 7672, C replaced by T.
Protein change: p.Arg2558Cys; replaces arginine 2558 with cysteine.
Molecular consequence: missense variant. On other transcripts: intron variant (4).
Genome position (GRCh38, 1-based): chr10:60,073,209, G>A on the plus strand (C>T on the coding strand, the complement: ANK3 is on the minus strand). VCF-style: chr10-60073209-G-A. GRCh37 (hg19) VCF-style: chr10-61832967-G-A.
Other names: c.4388-5200C>T (NM_001204403.2); c.4409-5200C>T (NM_001204404.2); c.4406-5200C>T (NM_001320874.2); c.1808-5200C>T (NM_001149.4); c.7672C>T (NM_020987.4); short protein forms R2558C.
Identifiers: ClinVar variation 210173 (VCV000210173.13), dbSNP rs375600068, ClinGen allele CA209489.
Genomic context (GRCh38, chr10:60,073,209, plus strand): 5'-CCACCCTATCTTCATATATCAACTTCTCTCTACCTCTGTCTAATCTGTCCTCAGTAAAGC[G>A]CATCCACATGGCATGTTTTGGACTACTAACATTGCCAGAATAGTGCAACACTGTCACTTT-3'
Protein context (NP_066267.2, residues 2548-2568): VSSPKHAMWM[Arg2558Cys]FTEDRLDRGR

ClinVar aggregate classification (germline): Uncertain significance. Review status: criteria provided, multiple submitters, no conflicts (2 of 4 stars). 5 submissions from 5 submitters: Uncertain significance (5). Last evaluated 2025-10-02.

Conditions:
ANK3-related disorder. Also called: ANK3-related condition.
Inborn genetic diseases. Identifiers: MedGen C0950123, MeSH D030342.

Allele frequency attached by ClinVar (database versions not stated): gnomAD 0.00004 and 0.00008; ESP Exome Variant Server 0.00008; TOPMed 0.00009; ExAC 0.00010; gnomAD exomes 0.00010 and 0.00015; 1000 Genomes Project 30x 0.00016; 1000 Genomes Project 0.00020.
gnomAD v4.1: 231 of 1,614,036 alleles (0.014%); highest among the groups gnomAD compares: South Asian, 0.06%; 1 homozygote.

Submissions (5):

Labcorp Genetics (formerly Invitae), Labcorp
Classification: Uncertain significance. Last evaluated: 2025-10-02. Review status: criteria provided, single submitter. Criteria: Invitae Variant Classification Sherloc (09022015). Collection method: clinical testing. Allele origin: germline.
Comment: This sequence change replaces arginine, which is basic and polar, with cysteine, which is neutral and slightly polar, at codon 2558 of the ANK3 protein (p.Arg2558Cys). This variant is present in population databases (rs375600068, gnomAD 0.05%). This variant has not been reported in the literature in individuals affected with ANK3-related conditions. ClinVar contains an entry for this variant (Variation ID: 210173). Invitae Evidence Modeling of protein sequence and biophysical properties (such as structural, functional, and spatial information, amino acid conservation, physicochemical variation, residue mobility, and thermodynamic stability) has been performed for this missense variant. However, the output from this modeling did not meet the statistical confidence thresholds required to predict the impact of this variant on ANK3 protein function. In summary, the available evidence is currently insufficient to determine the role of this variant in disease. Therefore, it has been classified as a Variant of Uncertain Significance.

PreventionGenetics, part of Exact Sciences
Classification: Uncertain significance for ANK3-related condition. Last evaluated: 2025-08-19. Review status: criteria provided, single submitter. Criteria: ACMG Guidelines, 2015. Collection method: clinical testing. Allele origin: germline.
Comment: The ANK3 c.7672C>T variant is predicted to result in the amino acid substitution p.Arg2558Cys. To our knowledge, this variant has not been reported in the literature. This variant is reported in 0.052% of alleles in individuals of South Asian descent in gnomAD. At this time, the clinical significance of this variant is uncertain due to the absence of conclusive functional and genetic evidence.

GeneDx
Classification: Uncertain significance. Last evaluated: 2023-12-23. Review status: criteria provided, single submitter. Criteria: GeneDx Variant Classification Process June 2021. Collection method: clinical testing. Allele origin: germline. Affected: yes.
Comment: In silico analysis supports that this missense variant does not alter protein structure/function; Has not been previously published as pathogenic or benign to our knowledge

Ambry Genetics
Classification: Uncertain significance for Inborn genetic diseases. Last evaluated: 2021-08-09. Review status: criteria provided, single submitter. Criteria: Ambry Variant Classification Scheme 2023. Collection method: clinical testing. Allele origin: germline.

Genetic Services Laboratory, University of Chicago
Classification: Uncertain significance. Last evaluated: 2014-07-03. Review status: criteria provided, single submitter. Criteria: ACMG Guidelines, 2015. Collection method: clinical testing. Allele origin: germline.